The following is an entry in ClinVar:

NM_001270508.2(TNFAIP3):c.2273C>A (p.Pro758His)

Gene: TNFAIP3 (TNF alpha induced protein 3; plus strand). Cytogenetic location: 6q23.3.
Variant type: single nucleotide variant.
Coding change: c.2273C>A on transcript NM_001270508.2 (MANE Select); coding-DNA position 2273, C replaced by A.
Protein change: p.Pro758His; replaces proline 758 with histidine.
Molecular consequence: missense variant.
Genome position (GRCh38, 1-based): chr6:137,881,219, C>A. VCF-style: chr6-137881219-C-A. GRCh37 (hg19) VCF-style: chr6-138202356-C-A.
Other names: c.2273C>A, p.Pro758His (NM_001270507.2, NM_006290.4); short protein forms P758H.
Identifiers: ClinVar variation 3010301 (VCV003010301.3), dbSNP rs377038705, ClinGen allele CA4019835.
Genomic context (GRCh38, chr6:137,881,219, plus strand): 5'-ATCCCAACCAGAGGATGGGCCCTGGGGCCCACCGGGGTGAGCCTGCCCCCGAAGACCCCC[C>A]CAAGCAGCGTTGCCGGGCCCCCGCCTGTGATCATTTTGGCAATGCCAAGTGCAACGGCTA-3'
Protein context (NP_001257437.1, residues 748-768): HRGEPAPEDP[Pro758His]KQRCRAPACD

ClinVar aggregate classification (germline): Uncertain significance (1 of 4 stars; one submission).

Allele frequency attached by ClinVar (database versions not stated): ESP Exome Variant Server 0.00008.
gnomAD v4.1: 22 of 1,611,592 alleles (0.0014%); highest among the groups gnomAD compares: East Asian, 0.0045%; no homozygotes.

Submission:

Labcorp Genetics (formerly Invitae), Labcorp
Classification: Uncertain significance. Last evaluated: 2025-12-03. Review status: criteria provided, single submitter. Criteria: Invitae Variant Classification Sherloc (09022015). Collection method: clinical testing. Allele origin: germline.
Comment: This sequence change replaces proline, which is neutral and non-polar, with histidine, which is basic and polar, at codon 758 of the TNFAIP3 protein (p.Pro758His). This variant is present in population databases (rs377038705, gnomAD 0.003%). This variant has not been reported in the literature in individuals affected with TNFAIP3-related conditions. ClinVar contains an entry for this variant (Variation ID: 3010301). An algorithm developed to predict the effect of missense changes on protein structure and function (PolyPhen-2) suggests that this variant is likely to be disruptive. In summary, the available evidence is currently insufficient to determine the role of this variant in disease. Therefore, it has been classified as a Variant of Uncertain Significance.